The following is an entry in ClinVar:

ClinVar aggregate classification (germline): Uncertain significance. Review status: criteria provided, multiple submitters, no conflicts (2 of 4 stars). 2 submissions from 2 submitters: Uncertain significance (2). Last evaluated 2026-03-07.

Conditions:
Cardiovascular phenotype. Identifiers: MedGen CN230736.

gnomAD v4.1: 1 of 1,607,172 alleles (0.000062%); highest among the groups gnomAD compares: Non-Finnish European, 0.000085%; no homozygotes.

Submissions (2):

Ambry Genetics
Classification: Uncertain significance for Cardiovascular phenotype. Last evaluated: 2026-03-07. Review status: criteria provided, single submitter. Criteria: Ambry Variant Classification Scheme 2023. Collection method: clinical testing. Allele origin: germline.
Comment: The p.D271Y variant (also known as c.811G>T), located in coding exon 7 of the MAP2K2 gene, results from a G to T substitution at nucleotide position 811. The aspartic acid at codon 271 is replaced by tyrosine, an amino acid with highly dissimilar properties. This amino acid position is conserved. In addition, the in silico prediction for this alteration is inconclusive. Based on the available evidence, the clinical significance of this variant remains unclear.

Blueprint Genetics
Classification: Uncertain significance. Last evaluated: 2024-10-23. Review status: criteria provided, single submitter. Criteria: ACMG Guidelines, 2015. Collection method: clinical testing. Allele origin: germline.

NM_030662.4(MAP2K2):c.811G>T (p.Asp271Tyr)

Gene: MAP2K2 (mitogen-activated protein kinase kinase 2; minus strand). Cytogenetic location: 19p13.3.
Variant type: single nucleotide variant.
Coding change: c.811G>T on transcript NM_030662.4 (MANE Select); coding-DNA position 811, G replaced by T.
Protein change: p.Asp271Tyr; replaces aspartic acid 271 with tyrosine.
Molecular consequence: missense variant. On other transcripts: intron variant (1).
Genome position (GRCh38, 1-based): chr19:4,099,309, C>A on the plus strand (G>T on the coding strand, the complement: MAP2K2 is on the minus strand). VCF-style: chr19-4099309-C-A. GRCh37 (hg19) VCF-style: chr19-4099307-C-A.
Other names: c.241G>T, p.Asp81Tyr (NM_001440689.1); c.705+1710G>T (NM_001440688.1); short protein forms D81Y, D271Y.
Identifiers: ClinVar variation 4826617 (VCV004826617.2).